The following is an entry in ClinVar:

NM_001301071.2(DOK7):c.1570C>T (p.Pro524Ser)

Gene: DOK7 (docking protein 7; plus strand). Cytogenetic location: 4p16.3.
Variant type: single nucleotide variant.
Coding change: c.1570C>T on transcript NM_001301071.2; coding-DNA position 1570, C replaced by T.
Protein change: p.Pro524Ser; replaces proline 524 with serine.
Molecular consequence: missense variant.
Genome position (GRCh38, 1-based): chr4:3,500,280, C>T. VCF-style: chr4-3500280-C-T. GRCh37 (hg19) VCF-style: chr4-3502007-C-T.
Other names: c.1138C>T, p.Pro380Ser (NM_001363811.2); short protein forms P380S, P524S.
Identifiers: ClinVar variation 1309025 (VCV001309025.4), dbSNP rs1355513098, ClinGen allele CA438126218.

ClinVar aggregate classification (germline): Uncertain significance (1 of 4 stars; one submission).

Allele frequency attached by ClinVar (database versions not stated): gnomAD exomes below 0.00001 and 0.00001; TOPMed 0.00001.
gnomAD v4.1: 5 of 1,535,930 alleles (0.00033%); highest among the groups gnomAD compares: Admixed American, 0.002%; no homozygotes.

Submission:

GeneDx
Classification: Uncertain significance. Last evaluated: 2019-10-16. Review status: criteria provided, single submitter. Criteria: GeneDx Variant Classification Process June 2021. Collection method: clinical testing. Allele origin: germline. Affected: yes.
Comment: Not observed at a significant frequency in large population cohorts (Lek et al., 2016); In silico analysis, which includes protein predictors and evolutionary conservation, supports that this variant does not alter protein structure/function; Has not been previously published as pathogenic or benign to our knowledge